The following is an entry in ClinVar:

NM_001244008.2(KIF1A):c.190G>A (p.Asp64Asn)

Gene: KIF1A (kinesin family member 1A; minus strand). Cytogenetic location: 2q37.3.
Variant type: single nucleotide variant.
Coding change: c.190G>A on transcript NM_001244008.2 (MANE Select); coding-DNA position 190, G replaced by A.
Protein change: p.Asp64Asn; replaces aspartic acid 64 with asparagine.
Molecular consequence: missense variant.
Genome position (GRCh38, 1-based): chr2:240,788,224, C>T on the plus strand (G>A on the coding strand, the complement: KIF1A is on the minus strand). VCF-style: chr2-240788224-C-T. GRCh37 (hg19) VCF-style: chr2-241727641-C-T.
Other names: c.190G>A, p.Asp64Asn (NM_001320705.2, NM_001330289.2, NM_001330290.2 and 20 more transcripts); short protein forms D64N.
Identifiers: ClinVar variation 4794833 (VCV004794833.1).

ClinVar aggregate classification (germline): Uncertain significance (1 of 4 stars; one submission).

Conditions:
Neuropathy, hereditary sensory, type 2C. Also called: KIF1A-Related HSAN2 (HSAN2C); Hereditary sensory and autonomic neuropathy type IIC. Identifiers: Orphanet 970, MedGen C3280168, MONDO:0013634, OMIM 614213.
Hereditary spastic paraplegia 30. Identifiers: Orphanet 101010, MedGen C5235139, MONDO:0012476.
Intellectual disability, autosomal dominant 9 (NESCAVS). Also called: KIF1A-Related Neurodevelopmental Disorder; NESCAV SYNDROME. Identifiers: Orphanet 662367, MedGen C5393830, MONDO:0013656, OMIM 614255.

Submission:

Labcorp Genetics (formerly Invitae), Labcorp
Classification: Uncertain significance for Hereditary spastic paraplegia 30; Neuropathy, hereditary sensory, type 2C; Intellectual disability, autosomal dominant 9. Last evaluated: 2025-05-19. Review status: criteria provided, single submitter. Criteria: Invitae Variant Classification Sherloc (09022015). Collection method: clinical testing. Allele origin: germline.
Comment: This sequence change replaces aspartic acid, which is acidic and polar, with asparagine, which is neutral and polar, at codon 64 of the KIF1A protein (p.Asp64Asn). This variant is not present in population databases (gnomAD no frequency). This variant has not been reported in the literature in individuals affected with KIF1A-related conditions. Invitae Evidence Modeling of protein sequence and biophysical properties (such as structural, functional, and spatial information, amino acid conservation, physicochemical variation, residue mobility, and thermodynamic stability) indicates that this missense variant is expected to disrupt KIF1A protein function with a positive predictive value of 95%. In summary, the available evidence is currently insufficient to determine the role of this variant in disease. Therefore, it has been classified as a Variant of Uncertain Significance.